The following is an entry in ClinVar:

ClinVar aggregate classification (germline): Benign/Likely benign. Review status: criteria provided, multiple submitters, no conflicts (2 of 4 stars). 5 submissions from 5 submitters: Benign (2); Likely benign (3). Last evaluated 2025-05-15.

Conditions:
Hereditary cancer-predisposing syndrome. Also called: Tumor predisposition; Neoplastic Syndromes, Hereditary; Hereditary Cancer Syndrome; Hereditary neoplastic syndrome. Identifiers: Orphanet 140162, MedGen C0027672, MeSH D009386, MONDO:0015356.
Tuberous sclerosis 2 (TSC2). Identifiers: Orphanet 805, MedGen C1860707, MONDO:0013199, OMIM 613254.

Allele frequency attached by ClinVar (database versions not stated): gnomAD exomes 0.00001 and 0.00002; ExAC 0.00003; ESP Exome Variant Server 0.00008.

Submissions (5):

Myriad Genetics, Inc.
Classification: Benign for Tuberous sclerosis 2. Last evaluated: 2025-05-15. Review status: criteria provided, single submitter. Criteria: Myriad Autosomal Dominant, Autosomal Recessive and X-Linked Classification Criteria (2023). Collection method: clinical testing. Allele origin: unknown.
Comment: This variant is considered benign. This variant is a silent/synonymous amino acid change and it is not expected to impact splicing.

Labcorp Genetics (formerly Invitae), Labcorp
Classification: Likely benign for Tuberous sclerosis 2. Last evaluated: 2025-02-25. Review status: criteria provided, single submitter. Criteria: Invitae Variant Classification Sherloc (09022015). Collection method: clinical testing. Allele origin: germline.

Genome-Nilou Lab
Classification: Benign for Tuberous sclerosis 2. Last evaluated: 2021-11-07. Review status: criteria provided, single submitter. Criteria: ACMG Guidelines, 2015. Collection method: clinical testing. Allele origin: germline. Affected: no.

GeneDx
Classification: Likely benign. Last evaluated: 2018-01-22. Review status: criteria provided, single submitter. Criteria: GeneDx Variant Classification (06012015). Collection method: clinical testing. Allele origin: germline. Affected: yes.
Comment: This variant is considered likely benign or benign based on one or more of the following criteria: it is a conservative change, it occurs at a poorly conserved position in the protein, it is predicted to be benign by multiple in silico algorithms, and/or has population frequency not consistent with disease.

Ambry Genetics
Classification: Likely benign for Hereditary cancer-predisposing syndrome. Last evaluated: 2016-08-11. Review status: criteria provided, single submitter. Criteria: Ambry Variant Classification Scheme 2023. Collection method: clinical testing. Allele origin: germline.

NM_000548.5(TSC2):c.1806C>T (p.Tyr602=)

Gene: TSC2 (TSC complex subunit 2; plus strand). Cytogenetic location: 16p13.3.
Variant type: single nucleotide variant.
Coding change: c.1806C>T on transcript NM_000548.5 (MANE Select); coding-DNA position 1806, C replaced by T.
Protein change: p.Tyr602=; no amino-acid change (tyrosine 602 retained).
Molecular consequence: synonymous variant.
Genome position (GRCh38, 1-based): chr16:2,070,545, C>T. VCF-style: chr16-2070545-C-T. GRCh37 (hg19) VCF-style: chr16-2120546-C-T.
Other names: c.1806C>T, p.Tyr602= (NM_001077183.3, NM_001114382.3, NM_001363528.2 and 3 more transcripts); c.1695C>T, p.Tyr565= (NM_001318827.2); c.1659C>T, p.Tyr553= (NM_001318829.2); c.1206C>T, p.Tyr402= (NM_001318831.2); c.1839C>T, p.Tyr613= (NM_001318832.2).
Identifiers: ClinVar variation 486610 (VCV000486610.19), dbSNP rs367553206, ClinGen allele CA033607.